The following is an entry in ClinVar:

NM_000070.3(CAPN3):c.945+1G>A

Gene: CAPN3 (calpain 3; plus strand). Cytogenetic location: 15q15.1.
Variant type: single nucleotide variant.
Coding change: c.945+1G>A on transcript NM_000070.3 (MANE Select); the canonical splice donor site of the intron after coding-DNA position 945, G replaced by A.
Molecular consequence: splice donor variant. On other transcripts: intron variant (1).
Genome position (GRCh38, 1-based): chr15:42,390,097, G>A. VCF-style: chr15-42390097-G-A. GRCh37 (hg19) VCF-style: chr15-42682295-G-A.
Other names: c.945+1G>A (NM_024344.2); c.801+1001G>A (NM_173087.2).
Identifiers: ClinVar variation 2028690 (VCV002028690.4), dbSNP rs1375420170, ClinGen allele CA391998726.

ClinVar aggregate classification (germline): Likely pathogenic (1 of 4 stars; one submission).

Conditions:
Autosomal recessive limb-girdle muscular dystrophy type 2A (LGMDR1). Also called: Muscular dystrophy, limb-girdle, type 2A, Amish; LEYDEN-MOEBIUS MUSCULAR DYSTROPHY; MUSCULAR DYSTROPHY, PELVOFEMORAL; Limb-girdle muscular dystrophy, type 2A; Calpainopathy. Identifiers: Orphanet 267, MedGen C1869123, MONDO:0009675, OMIM 253600. Disease mechanism: loss of function.

Submission:

Labcorp Genetics (formerly Invitae), Labcorp
Classification: Likely pathogenic for Autosomal recessive limb-girdle muscular dystrophy type 2A. Last evaluated: 2022-09-02. Review status: criteria provided, single submitter. Criteria: Invitae Variant Classification Sherloc (09022015). Collection method: clinical testing. Allele origin: germline.
Comment: This variant is not present in population databases (gnomAD no frequency). This sequence change affects a donor splice site in intron 6 of the CAPN3 gene. It is expected to disrupt RNA splicing. Variants that disrupt the donor or acceptor splice site typically lead to a loss of protein function (PMID: 16199547), and loss-of-function variants in CAPN3 are known to be pathogenic (PMID: 10330340, 15689361). This variant has not been reported in the literature in individuals affected with CAPN3-related conditions. Algorithms developed to predict the effect of sequence changes on RNA splicing suggest that this variant may disrupt the consensus splice site. In summary, the currently available evidence indicates that the variant is pathogenic, but additional data are needed to prove that conclusively. Therefore, this variant has been classified as Likely Pathogenic.

Literature cited by the submitters: PubMed 16199547; PubMed 10330340; PubMed 15689361.